The following is an entry in ClinVar:

NM_001163809.2(WDR81):c.4263G>T (p.Leu1421=)

Gene: WDR81 (WD repeat domain 81; plus strand). Cytogenetic location: 17p13.3.
Variant type: single nucleotide variant.
Coding change: c.4263G>T on transcript NM_001163809.2 (MANE Select); coding-DNA position 4263, G replaced by T.
Protein change: p.Leu1421=; no amino-acid change (leucine 1421 retained).
Molecular consequence: synonymous variant.
Genome position (GRCh38, 1-based): chr17:1,732,430, G>T. VCF-style: chr17-1732430-G-T. GRCh37 (hg19) VCF-style: chr17-1635724-G-T.
Other names: c.654G>T, p.Leu218= (NM_001163673.2); c.582G>T, p.Leu194= (NM_001163811.2); c.1110G>T, p.Leu370= (NM_152348.4).
Identifiers: ClinVar variation 2647197 (VCV002647197.24), dbSNP rs780115087, ClinGen allele CA8273502.

ClinVar aggregate classification (germline): Likely benign (1 of 4 stars; one submission).

Allele frequency attached by ClinVar (database versions not stated): ExAC 0.00001.
gnomAD v4.1: 4 of 1,613,592 alleles (0.00025%); highest among the groups gnomAD compares: Non-Finnish European, 0.00034%; no homozygotes.

Submission:

CeGaT Center for Human Genetics Tuebingen
Classification: Likely benign. Last evaluated: 2023-03-01. Review status: criteria provided, single submitter. Criteria: CeGaT Center For Human Genetics Tuebingen Variant Classification Criteria Version 2. Collection method: clinical testing. Allele origin: germline. Affected: yes. Observed: 1 variant allele.
Comment: WDR81: BP4, BP7